The following is an entry in ClinVar:

ClinVar aggregate classification (germline): Uncertain significance (1 of 4 stars; one submission).

Allele frequency attached by ClinVar (database versions not stated): TOPMed below 0.00001.

Submission:

Labcorp Genetics (formerly Invitae), Labcorp
Classification: Uncertain significance. Last evaluated: 2024-08-04. Review status: criteria provided, single submitter. Criteria: Invitae Variant Classification Sherloc (09022015). Collection method: clinical testing. Allele origin: germline.
Comment: This sequence change replaces threonine, which is neutral and polar, with asparagine, which is neutral and polar, at codon 59 of the TBX20 protein (p.Thr59Asn). This variant is not present in population databases (gnomAD no frequency). This variant has not been reported in the literature in individuals affected with TBX20-related conditions. ClinVar contains an entry for this variant (Variation ID: 1954355). An algorithm developed to predict the effect of missense changes on protein structure and function (PolyPhen-2) suggests that this variant is likely to be tolerated. In summary, the available evidence is currently insufficient to determine the role of this variant in disease. Therefore, it has been classified as a Variant of Uncertain Significance.

NM_001077653.2(TBX20):c.176C>A (p.Thr59Asn)

Gene: TBX20 (T-box transcription factor 20; minus strand). Cytogenetic location: 7p14.2.
Variant type: single nucleotide variant.
Coding change: c.176C>A on transcript NM_001077653.2 (MANE Select); coding-DNA position 176, C replaced by A.
Protein change: p.Thr59Asn; replaces threonine 59 with asparagine.
Molecular consequence: missense variant.
Genome position (GRCh38, 1-based): chr7:35,250,155, G>T on the plus strand (C>A on the coding strand, the complement: TBX20 is on the minus strand). VCF-style: chr7-35250155-G-T. GRCh37 (hg19) VCF-style: chr7-35289767-G-T.
Other names: c.176C>A, p.Thr59Asn (NM_001166220.1); short protein forms T59N.
Identifiers: ClinVar variation 1954355 (VCV001954355.5), dbSNP rs1489078223, ClinGen allele CA367265330.